The following is an entry in ClinVar:

NM_002439.5(MSH3):c.2105del (p.Leu702fs)

Gene: MSH3 (mutS homolog 3; plus strand). Cytogenetic location: 5q14.1.
Variant type: Deletion.
Coding change: c.2105del on transcript NM_002439.5 (MANE Select); coding-DNA position 2105, one base deleted (T; older notation c.2105delT).
Protein change: p.Leu702fs; shifts the reading frame from leucine 702.
Molecular consequence: frameshift variant.
Genome position (GRCh38, 1-based): chr5:80,768,855, T deleted; the last of 2 consecutive T bases (chr5:80,768,854-80,768,855); deleting either gives the same sequence. VCF-style (leftmost placement, unchanged base first): chr5-80768853-AT-A. GRCh37 (hg19) VCF-style: chr5-80064672-AT-A.
Other names: short protein forms L702fs.
Identifiers: ClinVar variation 3222253 (VCV003222253.1), dbSNP rs2546774182, ClinGen allele CA2825001436.

ClinVar aggregate classification (germline): Pathogenic (1 of 4 stars; one submission).

Conditions:
Hereditary cancer-predisposing syndrome. Also called: Tumor predisposition; Hereditary neoplastic syndrome; Hereditary Cancer Syndrome; Neoplastic Syndromes, Hereditary. Identifiers: Orphanet 140162, MedGen C0027672, MeSH D009386, MONDO:0015356.

Submission:

Ambry Genetics
Classification: Pathogenic for Hereditary cancer-predisposing syndrome. Last evaluated: 2023-12-07. Review status: criteria provided, single submitter. Criteria: Ambry Variant Classification Scheme 2023. Collection method: clinical testing. Allele origin: germline.
Comment: The c.2105delT pathogenic mutation, located in coding exon 15 of the MSH3 gene, results from a deletion of one nucleotide at nucleotide position 2105, causing a translational frameshift with a predicted alternate stop codon (p.L702Yfs*10). This alteration is expected to result in loss of function by premature protein truncation or nonsense-mediated mRNA decay. As such, this alteration is interpreted as a disease-causing mutation.